The following is an entry in ClinVar:

ClinVar aggregate classification (germline): Uncertain significance. Review status: criteria provided, multiple submitters, no conflicts (2 of 4 stars). 6 submissions from 6 submitters: Uncertain significance (6). Last evaluated 2026-02-25.

Conditions:
Neutral lipid storage myopathy (NLSDM). Also called: NEUTRAL LIPID STORAGE DISEASE WITHOUT ICHTHYOSIS. Identifiers: Orphanet 98908, MedGen C1853136, MONDO:0012545, OMIM 610717.

Allele frequency attached by ClinVar (database versions not stated): ESP Exome Variant Server 0.00008; TOPMed 0.00015; gnomAD 0.00017 and 0.00018; 1000 Genomes Project 0.00020; 1000 Genomes Project 30x 0.00031.
gnomAD v4.1: 327 of 1,613,938 alleles (0.02%); highest among the groups gnomAD compares: Middle Eastern, 0.16%; no homozygotes.

Submissions (6):

GeneDx
Classification: Uncertain significance. Last evaluated: 2026-02-25. Review status: criteria provided, single submitter. Criteria: GeneDx Variant Classification Process June 2021. Collection method: clinical testing. Allele origin: germline.
Comment: Observed in a cohort of healthy individuals and shown to result in impaired catalytic activities via functional studies; however, additional studies are required to assess its impact (PMID: 21170305); In silico analysis supports that this missense variant has a deleterious effect on protein structure/function; This variant is associated with the following publications: (PMID: 21170305, 32041611)

Mayo Clinic Laboratories, Mayo Clinic
Classification: Uncertain significance. Last evaluated: 2024-03-28. Review status: criteria provided, single submitter. Criteria: ACMG Guidelines, 2015. Collection method: clinical testing. Allele origin: germline. Observed: 1 variant allele.
Comment: PP3

Labcorp Genetics (formerly Invitae), Labcorp
Classification: Uncertain significance for Neutral lipid storage myopathy. Last evaluated: 2023-12-22. Review status: criteria provided, single submitter. Criteria: Invitae Variant Classification Sherloc (09022015). Collection method: clinical testing. Allele origin: germline.
Comment: This sequence change replaces arginine, which is basic and polar, with histidine, which is basic and polar, at codon 113 of the PNPLA2 protein (p.Arg113His). This variant is present in population databases (rs145999340, gnomAD 0.07%). This variant has not been reported in the literature in individuals affected with PNPLA2-related conditions. ClinVar contains an entry for this variant (Variation ID: 465792). Advanced modeling of protein sequence and biophysical properties (such as structural, functional, and spatial information, amino acid conservation, physicochemical variation, residue mobility, and thermodynamic stability) performed at Invitae indicates that this missense variant is expected to disrupt PNPLA2 protein function with a positive predictive value of 80%. Experimental studies have shown that this missense change affects PNPLA2 function (PMID: 21170305). In summary, the available evidence is currently insufficient to determine the role of this variant in disease. Therefore, it has been classified as a Variant of Uncertain Significance.

Revvity Omics, Revvity
Classification: Uncertain significance for Neutral lipid storage myopathy. Last evaluated: 2021-04-26. Review status: criteria provided, single submitter. Criteria: ACMG Guidelines, 2015. Collection method: clinical testing. Allele origin: germline.

Illumina Laboratory Services, Illumina
Classification: Uncertain significance for Neutral lipid storage myopathy. Last evaluated: 2017-04-27. Review status: criteria provided, single submitter. Criteria: ICSL Variant Classification Criteria 13 December 2019. Collection method: clinical testing. Allele origin: germline.
Comment: This variant was observed as part of a predisposition screen in an ostensibly healthy population. A literature search was performed for the gene, cDNA change, and amino acid change (where applicable). Publications were found based on this search. However, the evidence from the literature, in combination with allele frequency data from public databases where available, was not sufficient to rule this variant in or out of causing disease. Therefore, this variant is classified as a variant of unknown significance.

Breakthrough Genomics
Classification: Uncertain significance. Review status: criteria provided, single submitter. Criteria: ACMG Guidelines, 2015. Collection method: not provided. Allele origin: germline. Inheritance: Autosomal recessive inheritance. Affected: yes.

Literature cited by the submitters: PubMed 21170305 (cited by 3 submitters); PubMed 32041611 (cited by Mayo Clinic Laboratories, Mayo Clinic).

NM_020376.4(PNPLA2):c.338G>A (p.Arg113His)

Gene: PNPLA2 (patatin like domain 2, triacylglycerol lipase; plus strand). Cytogenetic location: 11p15.5.
Variant type: single nucleotide variant.
Coding change: c.338G>A on transcript NM_020376.4 (MANE Select); coding-DNA position 338, G replaced by A.
Protein change: p.Arg113His; replaces arginine 113 with histidine.
Molecular consequence: missense variant.
Genome position (GRCh38, 1-based): chr11:821,778, G>A. VCF-style: chr11-821778-G-A. GRCh37 (hg19) VCF-style: chr11-821778-G-A.
Other names: p.Arg113His; short protein forms R113H.
Identifiers: ClinVar variation 465792 (VCV000465792.17), dbSNP rs145999340, ClinGen allele CA5790943.
Genomic context (GRCh38, chr11:821,778, plus strand): 5'-TCATCCGCAGTTTCCTGCTGAAGGTCCTGCCTGCTGATAGCCATGAGCATGCCAGTGGGC[G>A]CCTGGGCATCTCCCTGACCCGCGTGTCAGACGGCGAGAATGTCATTATATCCCACTTCAA-3'
Protein context (NP_065109.1, residues 103-123): PADSHEHASG[Arg113His]LGISLTRVSD